The following is an entry in ClinVar:

ClinVar aggregate classification (germline): Likely benign (1 of 4 stars; one submission).

Allele frequency attached by ClinVar (database versions not stated): 1000 Genomes Project 0.00060; 1000 Genomes Project 30x 0.00078; TOPMed 0.00142; gnomAD 0.00144; ESP Exome Variant Server 0.00146; ExAC 0.00157.
gnomAD v4.1: 1,565 of 1,609,760 alleles (0.097%); highest among the groups gnomAD compares: Middle Eastern, 0.67%; 9 homozygotes.

Submission:

CeGaT Center for Human Genetics Tuebingen
Classification: Likely benign. Last evaluated: 2023-11-01. Review status: criteria provided, single submitter. Criteria: CeGaT Center For Human Genetics Tuebingen Variant Classification Criteria Version 2. Collection method: clinical testing. Allele origin: germline. Affected: yes. Observed: 1 variant allele.
Comment: DPY19L4: BS1

NM_181787.3(DPY19L4):c.949G>T (p.Val317Leu)

Gene: DPY19L4 (dpy-19 like 4; plus strand). Cytogenetic location: 8q22.1.
Variant type: single nucleotide variant.
Coding change: c.949G>T on transcript NM_181787.3 (MANE Select); coding-DNA position 949, G replaced by T.
Protein change: p.Val317Leu; replaces valine 317 with leucine.
Molecular consequence: missense variant.
Genome position (GRCh38, 1-based): chr8:94,765,261, G>T. VCF-style: chr8-94765261-G-T. GRCh37 (hg19) VCF-style: chr8-95777489-G-T.
Other names: short protein forms V317L.
Identifiers: ClinVar variation 2673156 (VCV002673156.23), dbSNP rs146235628, ClinGen allele CA4812770.
Genomic context (GRCh38, chr8:94,765,261, plus strand): 5'-ATCTACATATTTTCCCTCTTTCTGGGATATTTACTACAGTTTGAGAATCCAGCTTTGTTG[G>T]TATCTCCTTTATTAAGTTTAGTAGCAGCCTTAATGCTTGCTAAGTGCCTTCAGGTAACTA-3'
Protein context (NP_861452.2, residues 307-327): LLQFENPALL[Val317Leu]SPLLSLVAAL